The following is an entry in ClinVar:

ClinVar aggregate classification (germline): Uncertain significance (1 of 4 stars; one submission).

gnomAD v4.1: 4 of 1,613,728 alleles (0.00025%); highest among the groups gnomAD compares: Admixed American, 0.005%; no homozygotes.

Submission:

GeneDx
Classification: Uncertain significance. Last evaluated: 2024-05-24. Review status: criteria provided, single submitter. Criteria: GeneDx Variant Classification Process June 2021. Collection method: clinical testing. Allele origin: germline. Affected: yes.
Comment: In silico analysis indicates that this missense variant does not alter protein structure/function; Has not been previously published as pathogenic or benign to our knowledge

NM_004797.4(ADIPOQ):c.290T>A (p.Ile97Asn)

Genes: ADIPOQ (adiponectin, C1Q and collagen domain containing; plus strand), ADIPOQ-AS1 (ADIPOQ antisense RNA 1; minus strand). Cytogenetic location: 3q27.3.
Variant type: single nucleotide variant.
Coding change: c.290T>A on transcript NM_004797.4 (MANE Select); coding-DNA position 290, T replaced by A.
Protein change: p.Ile97Asn; replaces isoleucine 97 with asparagine.
Molecular consequence: missense variant. On other transcripts: non-coding transcript variant (1).
Genome position (GRCh38, 1-based): chr3:186,854,259, T>A. VCF-style: chr3-186854259-T-A. GRCh37 (hg19) VCF-style: chr3-186572048-T-A.
Other names: c.290T>A, p.Ile97Asn (NM_001177800.2); short protein forms I97N.
Identifiers: ClinVar variation 3381710 (VCV003381710.1).